The following is an entry in ClinVar:

NM_006059.4(LAMC3):c.1630+19G>A

Gene: LAMC3 (laminin subunit gamma 3; plus strand). Cytogenetic location: 9q34.12.
Variant type: single nucleotide variant.
Coding change: c.1630+19G>A on transcript NM_006059.4 (MANE Select); 19 bases into the intron after coding-DNA position 1630, G replaced by A.
Molecular consequence: intron variant.
Genome position (GRCh38, 1-based): chr9:131,049,149, G>A. VCF-style: chr9-131049149-G-A. GRCh37 (hg19) VCF-style: chr9-133924536-G-A.
Identifiers: ClinVar variation 2025552 (VCV002025552.1), dbSNP rs1213315959, ClinGen allele CA2580079856.

ClinVar aggregate classification (germline): Uncertain significance (1 of 4 stars; one submission).

Submission:

Labcorp Genetics (formerly Invitae), Labcorp
Classification: Uncertain significance. Last evaluated: 2022-08-21. Review status: criteria provided, single submitter. Criteria: Invitae Variant Classification Sherloc (09022015). Collection method: clinical testing. Allele origin: germline.
Comment: This sequence change falls in intron 9 of the LAMC3 gene. It does not directly change the encoded amino acid sequence of the LAMC3 protein. This variant is not present in population databases (gnomAD no frequency). This variant has not been reported in the literature in individuals affected with LAMC3-related conditions. Algorithms developed to predict the effect of sequence changes on RNA splicing suggest that this variant may create or strengthen a splice site. In summary, the available evidence is currently insufficient to determine the role of this variant in disease. Therefore, it has been classified as a Variant of Uncertain Significance.